The following is an entry in ClinVar:

ClinVar aggregate classification (germline): Uncertain significance. Review status: criteria provided, multiple submitters, no conflicts (2 of 4 stars). 2 submissions from 2 submitters: Uncertain significance (2). Last evaluated 2025-10-02.

Conditions:
Hereditary cancer-predisposing syndrome. Also called: Neoplastic Syndromes, Hereditary; Tumor predisposition; Hereditary Cancer Syndrome; Hereditary neoplastic syndrome. Identifiers: Orphanet 140162, MedGen C0027672, MeSH D009386, MONDO:0015356.
BAP1-related tumor predisposition syndrome (TPDS1). Also called: BAP1 tumor predisposition syndrome; Tumor susceptibility linked to germline BAP1 mutations; COMMON Syndrome; TUMOR PREDISPOSITION SYNDROME 1. Identifiers: Orphanet 289539, MedGen C3280492, MONDO:0013692, OMIM 614327.

Allele frequency attached by ClinVar (database versions not stated): TOPMed below 0.00001.

Submissions (2):

Ambry Genetics
Classification: Uncertain significance for Hereditary cancer-predisposing syndrome. Last evaluated: 2025-10-02. Review status: criteria provided, single submitter. Criteria: Ambry Variant Classification Scheme 2023. Collection method: clinical testing. Allele origin: germline.
Comment: The p.E55K variant (also known as c.163G>A), located in coding exon 4 of the BAP1 gene, results from a G to A substitution at nucleotide position 163. The glutamic acid at codon 55 is replaced by lysine, an amino acid with similar properties. This amino acid position is highly conserved in available vertebrate species. In addition, the in silico prediction for this alteration is inconclusive. Since supporting evidence is limited at this time, the clinical significance of this alteration remains unclear.

Labcorp Genetics (formerly Invitae), Labcorp
Classification: Uncertain significance for BAP1-related tumor predisposition syndrome. Last evaluated: 2023-12-12. Review status: criteria provided, single submitter. Criteria: Invitae Variant Classification Sherloc (09022015). Collection method: clinical testing. Allele origin: germline.
Comment: This sequence change replaces glutamic acid, which is acidic and polar, with lysine, which is basic and polar, at codon 55 of the BAP1 protein (p.Glu55Lys). This variant is not present in population databases (gnomAD no frequency). This variant has not been reported in the literature in individuals affected with BAP1-related conditions. ClinVar contains an entry for this variant (Variation ID: 1777015). Advanced modeling of protein sequence and biophysical properties (such as structural, functional, and spatial information, amino acid conservation, physicochemical variation, residue mobility, and thermodynamic stability) performed at Invitae indicates that this missense variant is expected to disrupt BAP1 protein function with a positive predictive value of 80%. In summary, the available evidence is currently insufficient to determine the role of this variant in disease. Therefore, it has been classified as a Variant of Uncertain Significance.

NM_004656.4(BAP1):c.163G>A (p.Glu55Lys)

Gene: BAP1 (BRCA1 associated deubiquitinase 1; minus strand). Cytogenetic location: 3p21.1.
Variant type: single nucleotide variant.
Coding change: c.163G>A on transcript NM_004656.4 (MANE Select); coding-DNA position 163, G replaced by A.
Protein change: p.Glu55Lys; replaces glutamic acid 55 with lysine.
Molecular consequence: missense variant.
Genome position (GRCh38, 1-based): chr3:52,408,566, C>T on the plus strand (G>A on the coding strand, the complement: BAP1 is on the minus strand). VCF-style: chr3-52408566-C-T. GRCh37 (hg19) VCF-style: chr3-52442582-C-T.
Other names: c.163G>A, p.Glu55Lys (NM_001410772.1); short protein forms E55K.
Identifiers: ClinVar variation 1777015 (VCV001777015.7), dbSNP rs1705239400, ClinGen allele CA353113528.